The following is an entry in ClinVar:

ClinVar aggregate classification (germline): Likely benign. Review status: criteria provided, multiple submitters, no conflicts (2 of 4 stars). 4 submissions from 4 submitters: Likely benign (3). 1 of the submissions does not count toward it. Last evaluated 2026-01-28.

Conditions:
Inborn genetic diseases. Identifiers: MedGen C0950123, MeSH D030342.
ERCC2-related disorder. Also called: ERCC2-related conditions; ERCC2-related condition; ERCC2-related disorders. Identifiers: MedGen CN239291.

Allele frequency attached by ClinVar (database versions not stated): gnomAD 0.00003; gnomAD exomes 0.00003; ExAC 0.00007; TOPMed 0.00007; 1000 Genomes Project 30x 0.00016; 1000 Genomes Project 0.00020.
gnomAD v4.1: 51 of 1,614,224 alleles (0.0032%); highest among the groups gnomAD compares: East Asian, 0.085%; no homozygotes.

Submissions (4):

Labcorp Genetics (formerly Invitae), Labcorp
Classification: Likely benign. Last evaluated: 2026-01-28. Review status: criteria provided, single submitter. Criteria: Invitae Variant Classification Sherloc (09022015). Collection method: clinical testing. Allele origin: germline.

Blueprint Genetics
Classification: Likely benign. Last evaluated: 2024-11-05. Review status: criteria provided, single submitter. Criteria: ACMG Guidelines, 2015. Collection method: clinical testing. Allele origin: germline.

Ambry Genetics
Classification: Likely benign for Inborn genetic diseases. Last evaluated: 2022-02-12. Review status: criteria provided, single submitter. Criteria: Ambry Variant Classification Scheme 2023. Collection method: clinical testing. Allele origin: germline.

PreventionGenetics, part of Exact Sciences
Classification: Likely benign for ERCC2-related condition. Last evaluated: 2022-09-09. Review status: no assertion criteria provided. Collection method: clinical testing. Allele origin: germline. Not counted in ClinVar's aggregate classification.
Comment: This variant is classified as likely benign based on ACMG/AMP sequence variant interpretation guidelines (Richards et al. 2015 PMID: 25741868, with internal and published modifications).

NM_000400.4(ERCC2):c.216C>T (p.Tyr72=)

Gene: ERCC2 (ERCC excision repair 2, TFIIH core complex helicase subunit; minus strand). Cytogenetic location: 19q13.32.
Variant type: single nucleotide variant.
Coding change: c.216C>T on transcript NM_000400.4 (MANE Select); coding-DNA position 216, C replaced by T.
Protein change: p.Tyr72=; no amino-acid change (tyrosine 72 retained).
Molecular consequence: synonymous variant.
Genome position (GRCh38, 1-based): chr19:45,368,960, G>A on the plus strand (C>T on the coding strand, the complement: ERCC2 is on the minus strand). VCF-style: chr19-45368960-G-A. GRCh37 (hg19) VCF-style: chr19-45872218-G-A.
Other names: c.144C>T, p.Tyr48= (NM_001130867.2).
Identifiers: ClinVar variation 1787060 (VCV001787060.10), dbSNP rs200559616, ClinGen allele CA9513868.